The following is an entry in ClinVar:

ClinVar aggregate classification (germline): Uncertain significance (1 of 4 stars; one submission).

Submission:

Women's Health and Genetics/Laboratory Corporation of America, LabCorp
Classification: Uncertain significance. Last evaluated: 2023-08-22. Review status: criteria provided, single submitter. Criteria: LabCorp Variant Classification Summary - May 2015. Collection method: clinical testing. Allele origin: germline.
Comment: Variant summary: The variant identified by MLPA or other technology involves the duplication of exons 1-64 in the PRKDC gene, a region which includes the initiator codon. The exact breakpoint at the 5' end of this variant is unknown and therefore this duplication might extend upstream of the assayed region of the gene. A presumed nomenclature of c.(?_-58)_(8780+1_8781-1)dup has been designated for the purposes of this classification. It has been assumed that this is a tandem duplication in direct orientation (Richardson_GIM_2018, Newman_AJHG_2015). Since the exact breakpoints of this duplication are not known, it is not possible to predict the protein level effect of this variant. The variant was absent in 21694 control chromosomes in the gnomAD database, structural variants dataset. The available data on variant occurrences in the general population are insufficient to allow any conclusion about variant significance. To our knowledge, no occurrence of c.(?_-58)_(8780+1_8781-1)dup in individuals affected with Severe Combined Immunodeficiency and no experimental evidence demonstrating its impact on protein function have been reported. No submitters have cited clinical-significance assessments for this variant to ClinVar after 2014, however other large duplication variants which include the initiator codon of the PRKDC gene are reported as VUS. In conclusion, while it may be assumed that duplication variants including a large DNA segment upstream of the gene (i.e. containing the promoter- and other essential regulatory elements) might result in regular transcription initiation leading to an intact protein product, shorter tandem duplication variants involving the first exon, could also result in a frameshift or in-frame duplication change causing disease. Since it is not possible to distinguish between these two outcomes in the context of this evaluation, the variant was classified as uncertain significance.

NC_000008.10:g.(48736558_48739216)_(48872744_?)dup

Gene: PRKDC (protein kinase, DNA-activated, catalytic subunit; minus strand). Cytogenetic location: 8q11.21.
Variant type: Duplication.
Identifiers: ClinVar variation 2581295 (VCV002581295.1).